The following is an entry in ClinVar:

ClinVar aggregate classification (germline): Uncertain significance (0 of 4 stars; one submission).

Conditions:
ATP1A1-related disorder. Also called: ATP1A1-related condition.

Submission:

PreventionGenetics, part of Exact Sciences
Classification: Uncertain significance for ATP1A1-related condition. Last evaluated: 2024-05-23. Review status: no assertion criteria provided. Collection method: clinical testing. Allele origin: germline.
Comment: The ATP1A1 c.1919C>A variant is predicted to result in the amino acid substitution p.Thr640Asn. To our knowledge, this variant has not been reported in the literature or in a large population database, indicating this variant is rare. At this time, the clinical significance of this variant is uncertain due to the absence of conclusive functional and genetic evidence.

NM_000701.8(ATP1A1):c.1919C>A (p.Thr640Asn)

Genes: ATP1A1 (ATPase Na+/K+ transporting subunit alpha 1; plus strand), ATP1A1-AS1 (ATP1A1 antisense RNA 1; minus strand). Cytogenetic location: 1p13.1.
Variant type: single nucleotide variant.
Coding change: c.1919C>A on transcript NM_000701.8 (MANE Select); coding-DNA position 1919, C replaced by A.
Protein change: p.Thr640Asn; replaces threonine 640 with asparagine.
Molecular consequence: missense variant.
Genome position (GRCh38, 1-based): chr1:116,396,680, C>A. VCF-style: chr1-116396680-C-A. GRCh37 (hg19) VCF-style: chr1-116939302-C-A.
Other names: c.1919C>A, p.Thr640Asn (NM_001160233.2); c.1826C>A, p.Thr609Asn (NM_001160234.2); short protein forms T609N, T640N.
Identifiers: ClinVar variation 3344982 (VCV003344982.1).
Genomic context (GRCh38, chr1:116,396,680, plus strand): 5'-ATCCAATCACAGCTAAAGCTATTGCCAAAGGTGTGGGCATCATCTCAGAAGGCAATGAGA[C>A]CGTGGAAGACATTGCTGCCCGCCTCAACATCCCAGTCAGCCAGGTGAACCCCAGGTAAGG-3'
Protein context (NP_000692.2, residues 630-650): GVGIISEGNE[Thr640Asn]VEDIAARLNI